The following is an entry in ClinVar:

ClinVar aggregate classification (germline): Uncertain significance (0 of 4 stars; one submission).

Conditions:
HIVEP3-related disorder. Also called: HIVEP3-related condition.

Submission:

PreventionGenetics, part of Exact Sciences
Classification: Uncertain significance for HIVEP3-related condition. Last evaluated: 2024-06-26. Review status: no assertion criteria provided. Collection method: clinical testing. Allele origin: germline.
Comment: The HIVEP3 c.4375G>C variant is predicted to result in the amino acid substitution p.Asp1459His. To our knowledge, this variant has not been reported in the literature or in a large population database, indicating this variant is rare. At this time, the clinical significance of this variant is uncertain due to the absence of conclusive functional and genetic evidence.

NM_024503.5(HIVEP3):c.4375G>C (p.Asp1459His)

Gene: HIVEP3 (HIVEP zinc finger 3; minus strand). Cytogenetic location: 1p34.2.
Variant type: single nucleotide variant.
Coding change: c.4375G>C on transcript NM_024503.5 (MANE Select); coding-DNA position 4375, G replaced by C.
Protein change: p.Asp1459His; replaces aspartic acid 1459 with histidine.
Molecular consequence: missense variant.
Genome position (GRCh38, 1-based): chr1:41,580,423, C>G on the plus strand (G>C on the coding strand, the complement: HIVEP3 is on the minus strand). VCF-style: chr1-41580423-C-G. GRCh37 (hg19) VCF-style: chr1-42046094-C-G.
Other names: c.4375G>C, p.Asp1459His (NM_001127714.3); short protein forms D1459H.
Identifiers: ClinVar variation 3345673 (VCV003345673.1).
Genomic context (GRCh38, chr1:41,580,423, plus strand): 5'-TCCCATCCTCGGTGCTGGTAAGGACCACACTGCATGGTTTTACCAGCTCAAGTTTTTCAT[C>G]TGCCTTGGAAGCCTCCTCCTCCTTCACTCTTTTTTGCTGCTGGGTTTCCATGGTAAGTTC-3'
Protein context (NP_078779.2, residues 1449-1469): RVKEEEASKA[Asp1459His]EKLELVKPCS